The following is an entry in ClinVar:

NM_017909.4(RMND1):c.775T>C (p.Tyr259His)

Gene: RMND1 (required for meiotic nuclear division 1 homolog; minus strand). Cytogenetic location: 6q25.1.
Variant type: single nucleotide variant.
Coding change: c.775T>C on transcript NM_017909.4 (MANE Select); coding-DNA position 775, T replaced by C.
Protein change: p.Tyr259His; replaces tyrosine 259 with histidine.
Molecular consequence: missense variant.
Genome position (GRCh38, 1-based): chr6:151,427,537, A>G on the plus strand (T>C on the coding strand, the complement: RMND1 is on the minus strand). VCF-style: chr6-151427537-A-G. GRCh37 (hg19) VCF-style: chr6-151748672-A-G.
Other names: c.265T>C, p.Tyr89His (NM_001271937.2); short protein forms Y259H, Y89H.
Identifiers: ClinVar variation 1961962 (VCV001961962.5), dbSNP rs1780338691, ClinGen allele CA366062083.
Genomic context (GRCh38, chr6:151,427,537, plus strand): 5'-CTTACTCTATTTTTATGTAGTTAAGTTCTTCATTTTCCCAGTGTACCAGTGCGATTTCAT[A>G]GGGCTGAATTTCATGTTTTTCTAGAACTTTCATCACATGCTTCATCTAGAAGAAAAGGAA-3'
Protein context (NP_060379.2, residues 249-269): KVLEKHEIQP[Tyr259His]EIALVHWENE

ClinVar aggregate classification (germline): Uncertain significance (1 of 4 stars; one submission).

Allele frequency attached by ClinVar (database versions not stated): gnomAD exomes below 0.00001; TOPMed below 0.00001.
gnomAD v4.1: 1 of 1,612,784 alleles (0.000062%); highest among the groups gnomAD compares: Non-Finnish European, 0.000085%; no homozygotes.

Submission:

Labcorp Genetics (formerly Invitae), Labcorp
Classification: Uncertain significance. Last evaluated: 2022-11-15. Review status: criteria provided, single submitter. Criteria: Invitae Variant Classification Sherloc (09022015). Collection method: clinical testing. Allele origin: germline.
Comment: In summary, the available evidence is currently insufficient to determine the role of this variant in disease. Therefore, it has been classified as a Variant of Uncertain Significance. Advanced modeling of protein sequence and biophysical properties (such as structural, functional, and spatial information, amino acid conservation, physicochemical variation, residue mobility, and thermodynamic stability) performed at Invitae indicates that this missense variant is expected to disrupt RMND1 protein function. This variant has not been reported in the literature in individuals affected with RMND1-related conditions. This variant is not present in population databases (gnomAD no frequency). This sequence change replaces tyrosine, which is neutral and polar, with histidine, which is basic and polar, at codon 259 of the RMND1 protein (p.Tyr259His).